The following is an entry in ClinVar:

NM_020937.4(FANCM):c.5453C>T (p.Thr1818Ile)

Gene: FANCM (FA complementation group M; plus strand). Cytogenetic location: 14q21.2.
Variant type: single nucleotide variant.
Coding change: c.5453C>T on transcript NM_020937.4 (MANE Select); coding-DNA position 5453, C replaced by T.
Protein change: p.Thr1818Ile; replaces threonine 1818 with isoleucine.
Molecular consequence: missense variant.
Genome position (GRCh38, 1-based): chr14:45,196,284, C>T. VCF-style: chr14-45196284-C-T. GRCh37 (hg19) VCF-style: chr14-45665487-C-T.
Other names: c.5375C>T, p.Thr1792Ile (NM_001308133.2); short protein forms T1792I, T1818I.
Identifiers: ClinVar variation 1922122 (VCV001922122.5), dbSNP rs2139319438, ClinGen allele CA389585892.

ClinVar aggregate classification (germline): Uncertain significance (1 of 4 stars; one submission).

Conditions:
Fanconi anemia (FA). Also called: Fanconi's anemia. Identifiers: Orphanet 84, MedGen C0015625, MeSH D005199, MONDO:0019391.

Allele frequency attached by ClinVar (database versions not stated): gnomAD exomes below 0.00001.
gnomAD v4.1: 1 of 1,614,042 alleles (0.000062%); highest among the groups gnomAD compares: Non-Finnish European, 0.000085%; no homozygotes.

Submission:

Labcorp Genetics (formerly Invitae), Labcorp
Classification: Uncertain significance for Fanconi anemia. Last evaluated: 2023-12-04. Review status: criteria provided, single submitter. Criteria: Invitae Variant Classification Sherloc (09022015). Collection method: clinical testing. Allele origin: germline.
Comment: This sequence change replaces threonine, which is neutral and polar, with isoleucine, which is neutral and non-polar, at codon 1818 of the FANCM protein (p.Thr1818Ile). This variant is not present in population databases (gnomAD no frequency). This variant has not been reported in the literature in individuals affected with FANCM-related conditions. ClinVar contains an entry for this variant (Variation ID: 1922122). An algorithm developed to predict the effect of missense changes on protein structure and function (PolyPhen-2) suggests that this variant is likely to be tolerated. In summary, the available evidence is currently insufficient to determine the role of this variant in disease. Therefore, it has been classified as a Variant of Uncertain Significance.